The following is an entry in ClinVar:

NM_000483.5(APOC2):c.239C>A (p.Ala80Glu)

Genes: APOC2 (apolipoprotein C2; plus strand), APOC4-APOC2 (APOC4-APOC2 readthrough (NMD candidate); plus strand). Cytogenetic location: 19q13.32.
Variant type: single nucleotide variant.
Coding change: c.239C>A on transcript NM_000483.5 (MANE Select); coding-DNA position 239, C replaced by A.
Protein change: p.Ala80Glu; replaces alanine 80 with glutamic acid.
Molecular consequence: missense variant. On other transcripts: non-coding transcript variant (1).
Genome position (GRCh38, 1-based): chr19:44,949,182, C>A. VCF-style: chr19-44949182-C-A. GRCh37 (hg19) VCF-style: chr19-45452439-C-A.
Other names: short protein forms A80E.
Identifiers: ClinVar variation 3934551 (VCV003934551.1).
Genomic context (GRCh38, chr19:44,949,182, plus strand): 5'-CCCCTCCTCCCTCTAACCATCTGTGCTTTCTCCCCAGGGACTTGTACAGCAAAAGCACAG[C>A]AGCCATGAGCACTTACACAGGCATTTTTACTGACCAAGTTCTTTCTGTGCTGAAGGGAGA-3'
Protein context (NP_000474.2, residues 70-90): KLRDLYSKST[Ala80Glu]AMSTYTGIFT

ClinVar aggregate classification (germline): Uncertain significance (1 of 4 stars; one submission).

Conditions:
Cardiovascular phenotype. Identifiers: MedGen CN230736.

gnomAD v4.1: 1 of 1,614,038 alleles (0.000062%); highest among the groups gnomAD compares: Non-Finnish European, 0.000085%; no homozygotes.

Submission:

Ambry Genetics
Classification: Uncertain significance for Cardiovascular phenotype. Last evaluated: 2025-05-02. Review status: criteria provided, single submitter. Criteria: Ambry Variant Classification Scheme 2023. Collection method: clinical testing. Allele origin: germline.
Comment: The p.A80E variant (also known as c.239C>A), located in coding exon 3 of the APOC2 gene, results from a C to A substitution at nucleotide position 239. The alanine at codon 80 is replaced by glutamic acid, an amino acid with dissimilar properties. This amino acid position is conserved. In addition, this alteration is predicted to be tolerated by in silico analysis. Based on the available evidence, the clinical significance of this variant remains unclear.